The following is an entry in ClinVar:

NM_001367549.1(ATP13A3):c.3122C>T (p.Ser1041Leu)

Gene: ATP13A3 (ATPase 13A3; minus strand). Cytogenetic location: 3q29.
Variant type: single nucleotide variant.
Coding change: c.3122C>T on transcript NM_001367549.1 (MANE Select); coding-DNA position 3122, C replaced by T.
Protein change: p.Ser1041Leu; replaces serine 1041 with leucine.
Molecular consequence: missense variant. On other transcripts: non-coding transcript variant (2).
Genome position (GRCh38, 1-based): chr3:194,427,078, G>A on the plus strand (C>T on the coding strand, the complement: ATP13A3 is on the minus strand). VCF-style: chr3-194427078-G-A. GRCh37 (hg19) VCF-style: chr3-194147807-G-A.
Other names: c.3122C>T (NM_024524.3); c.3041C>T, p.Ser1014Leu (NM_001374836.1); c.3122C>T, p.Ser1041Leu (NM_024524.4); short protein forms S1014L, S1041L.
Identifiers: ClinVar variation 2057272 (VCV002057272.7), dbSNP rs201484522, ClinGen allele CA2761490.
Genomic context (GRCh38, chr3:194,427,078, plus strand): 5'-ATATCATATATGTTGCACATATTTTATATAGATTTTTACATAGATTGACCAACTTACTCT[G>A]ATTTTGGATGCCACACTTCATACCAAGGTTGCTGTTTGACCCAAAAAAAACCCAAAGATT-3'
Protein context (NP_001354478.1, residues 1031-1051): QPWYEVWHPK[Ser1041Leu]DACNTTGSGF

ClinVar aggregate classification (germline): Benign/Likely benign. Review status: criteria provided, multiple submitters, no conflicts (2 of 4 stars). 3 submissions from 3 submitters: Benign (1); Likely benign (1). 1 of the submissions does not count toward it. Last evaluated 2026-09-01.

Conditions:
ATP13A3-related disorder. Also called: ATP13A3-related condition.

Allele frequency attached by ClinVar (database versions not stated): TOPMed 0.00045; gnomAD exomes 0.00048; gnomAD 0.00050; ESP Exome Variant Server 0.00068; ExAC 0.00095.
gnomAD v4.1: 834 of 1,611,074 alleles (0.052%); highest among the groups gnomAD compares: South Asian, 0.19%; 4 homozygotes.

Submissions (3):

CeGaT Center for Human Genetics Tuebingen
Classification: Likely benign. Last evaluated: 2026-09-01. Review status: criteria provided, single submitter. Criteria: CeGaT Center For Human Genetics Tuebingen Variant Classification Criteria Version 2. Collection method: clinical testing. Allele origin: germline. Affected: yes. Observed: 1 variant allele.
Comment: ATP13A3: PP2, BP4, BS2

Labcorp Genetics (formerly Invitae), Labcorp
Classification: Benign. Last evaluated: 2025-11-21. Review status: criteria provided, single submitter. Criteria: Invitae Variant Classification Sherloc (09022015). Collection method: clinical testing. Allele origin: germline.

PreventionGenetics, part of Exact Sciences
Classification: Benign for ATP13A3-related condition. Last evaluated: 2019-05-14. Review status: no assertion criteria provided. Collection method: clinical testing. Allele origin: germline. Not counted in ClinVar's aggregate classification.
Comment: This variant is classified as benign based on ACMG/AMP sequence variant interpretation guidelines (Richards et al. 2015 PMID: 25741868, with internal and published modifications).